The following is an entry in ClinVar:

ClinVar aggregate classification (germline): Benign. Review status: no assertion criteria provided (0 of 4 stars). 3 submissions from 3 submitters: Benign (2). 1 of the submissions does not count toward it. Last evaluated 1996-02-01.

Conditions:
PECAM1 POLYMORPHISM.
Three Vessel Coronary Disease. Identifiers: MedGen C3272265.

Allele frequency attached by ClinVar (database versions not stated): TOPMed 0.46910; 1000 Genomes Project 30x 0.47174; gnomAD exomes 0.48523.
gnomAD v4.1: 227,287 of 474,850 alleles (48%); highest among the groups gnomAD compares: Middle Eastern, 59%; 55,152 homozygotes.

Submissions (3):

OMIM
Classification: Benign for PECAM1 POLYMORPHISM. Last evaluated: 1996-02-01. Review status: no assertion criteria provided. Collection method: literature only. Allele origin: germline.

ClinVar Staff, National Center for Biotechnology Information (NCBI)
No classification provided. Review status: no classification provided. Collection method: not provided. Allele origin: unknown. Not counted in ClinVar's aggregate classification.
Comment: Polymorphism;already Val

Department of Cardiology, Chinese Academy of Medical Sciences, Fuwai Hospital
Classification: Benign for Three Vessel Coronary Disease. Review status: no assertion criteria provided. Collection method: clinical testing. Allele origin: somatic. Affected: yes.

Literature cited by the submitters: PubMed 8532023 (cited by OMIM).

NM_000442.5(PECAM1):c.373G>C (p.Val125Leu)

Gene: PECAM1 (platelet and endothelial cell adhesion molecule 1; minus strand). Cytogenetic location: 17q23.3.
Variant type: single nucleotide variant.
Coding change: c.373G>C on transcript NM_000442.5 (MANE Select); coding-DNA position 373, G replaced by C.
Protein change: p.Val125Leu; replaces valine 125 with leucine.
Molecular consequence: missense variant.
Genome position (GRCh38, 1-based): chr17:64,377,836, C>G on the plus strand (G>C on the coding strand, the complement: PECAM1 is on the minus strand). VCF-style: chr17-64377836-C-G. GRCh37 (hg19) VCF-style: chr17-181683-C-G.
Other names: L125V; short protein forms V125L.
Identifiers: ClinVar variation 156304 (VCV000156304.4), dbSNP rs281865545, ClinGen allele CA123258.